The following is an entry in ClinVar:

NM_000057.4(BLM):c.1985_1986del (p.Lys662fs)

Gene: BLM (BLM RecQ like helicase; plus strand). Cytogenetic location: 15q26.1.
Variant type: Deletion.
Coding change: c.1985_1986del on transcript NM_000057.4 (MANE Select); coding-DNA positions 1985 to 1986, 2 bases deleted (AA; older notation c.1985_1986delAA).
Protein change: p.Lys662fs; shifts the reading frame from lysine 662.
Molecular consequence: frameshift variant.
Genome position (GRCh38, 1-based): chr15:90,763,068-90,763,069, AA deleted; deleting any 2 consecutive bases within chr15:90,763,064-90,763,069 gives the same sequence; the c. name uses the placement nearest the transcript's 3' end. VCF-style (leftmost placement, unchanged base first): chr15-90763063-TAA-T. GRCh37 (hg19) VCF-style: chr15-91306293-TAA-T.
Other names: c.1985_1986del (LRG_20t1); c.1985_1986del, p.Lys662fs (NM_001287246.2, NM_001287247.2); c.860_861del, p.Lys287fs (NM_001287248.2); c.1985_1986delAA (NM_000057.2, NM_000057.3); short protein forms K287fs, K662fs.
Identifiers: ClinVar variation 553499 (VCV000553499.18), dbSNP rs762804291, ClinGen allele CA7738632.
Genomic context (GRCh38, chr15:90,763,063, plus strand): 5'-ACATGAGCGTTTCCAAAGTCTTAGTTTTCCTCATACAAAGGAAATGATGAAGATTTTTCA[TAA>T]AAAATTTGGCCTGCATAATTTTAGAACTAATCAGCTAGAGGCGATCAATGCTGCACTGCT-3'

ClinVar aggregate classification (germline): Pathogenic. Review status: criteria provided, multiple submitters, no conflicts (2 of 4 stars). 7 submissions from 7 submitters: Pathogenic (6). 1 of the submissions does not count toward it. Last evaluated 2025-08-04.

Conditions:
Bloom syndrome (BLM). Also called: Bloom-Torre-Machacek syndrome. Identifiers: Orphanet 125, MedGen C0005859, MONDO:0008876, OMIM 210900.

Submissions (7):

Natera, Inc.
Classification: Pathogenic for Bloom syndrome. Last evaluated: 2025-08-04. Review status: criteria provided, single submitter. Criteria: Natera Variant Classification Schema (03/2026). Collection method: clinical testing. Allele origin: germline.
Comment: The c.1985_1986delAA variant in BLM is a frameshift variant predicted to shift the reading frame beginning at codon 662 and leads to a stop codon 5 codons downstream. This variant is expected to result in nonsense mediated decay, truncation, or a dysfunctional protein product. This variant is rare in the general population with a frequency below the threshold expected for the associated phenotype(s). This variant has been observed in one or more individuals affected with the associated recessive disease, as either homozygous or compound heterozygous with a second variant (PMID: 24118499). Given the available evidence, this variant is classified as Pathogenic.

3billion
Classification: Pathogenic for Bloom syndrome. Last evaluated: 2024-10-18. Review status: criteria provided, single submitter. Criteria: ACMG Guidelines, 2015. Collection method: clinical testing. Allele origin: germline. Affected: yes.
Comment: The variant is observed at an extremely low frequency in the gnomAD v4.1.0 dataset (total allele frequency: <0.001%). Predicted Consequence/Location: Frameshift: predicted to result in a loss or disruption of normal protein function through nonsense-mediated decay (NMD) or protein truncation. Multiple pathogenic variants are reported downstream of the variant. The variant has been reported at least twice as pathogenic with clinical assertions and evidence for the classification (ClinVar ID: VCV000553499 /PMID: 24118499). Therefore, this variant is classified as Pathogenic according to the recommendation of ACMG/AMP guideline.

Fulgent Genetics
Classification: Pathogenic for Bloom syndrome. Last evaluated: 2024-01-24. Review status: criteria provided, single submitter. Criteria: ACMG Guidelines, 2015. Collection method: clinical testing. Allele origin: germline.

Baylor Genetics
Classification: Pathogenic for Bloom syndrome. Last evaluated: 2023-11-18. Review status: criteria provided, single submitter. Criteria: ACMG Guidelines, 2015. Collection method: clinical testing. Allele origin: unknown.

Labcorp Genetics (formerly Invitae), Labcorp
Classification: Pathogenic for Bloom syndrome. Last evaluated: 2023-07-13. Review status: criteria provided, single submitter. Criteria: Invitae Variant Classification Sherloc (09022015). Collection method: clinical testing. Allele origin: germline.
Comment: For these reasons, this variant has been classified as Pathogenic. ClinVar contains an entry for this variant (Variation ID: 553499). This premature translational stop signal has been observed in individual(s) with BLM-related conditions (PMID: 24118499). This variant is present in population databases (rs762804291, gnomAD 0.003%). This sequence change creates a premature translational stop signal (p.Lys662Ilefs*5) in the BLM gene. It is expected to result in an absent or disrupted protein product. Loss-of-function variants in BLM are known to be pathogenic (PMID: 17407155).

Revvity Omics, Revvity
Classification: Pathogenic for Bloom syndrome. Last evaluated: 2019-09-24. Review status: criteria provided, single submitter. Criteria: ACMG Guidelines, 2015. Collection method: clinical testing. Allele origin: germline.

Counsyl
Classification: Pathogenic for Bloom syndrome. Last evaluated: 2017-08-22. Review status: no assertion criteria provided. Collection method: clinical testing. Allele origin: unknown. Not counted in ClinVar's aggregate classification.

Literature cited by the submitters: PubMed 24118499 (cited by 4 submitters); PubMed 17407155 (cited by Labcorp Genetics (formerly Invitae), Labcorp).